The following is an entry in ClinVar:

ClinVar aggregate classification (germline): Benign/Likely benign. Review status: criteria provided, multiple submitters, no conflicts (2 of 4 stars). 4 submissions from 4 submitters: Benign (1); Likely benign (2). 1 of the submissions does not count toward it. Last evaluated 2026-01-13.

Conditions:
SCN8A-related disorder.
Early-infantile DEE. Also called: Ohtahara syndrome; Early infantile epileptic encephalopathy with suppression bursts; Early infantile epileptic encephalopathy. Identifiers: Orphanet 1934, MedGen C0393706, MONDO:0800491.

Allele frequency attached by ClinVar (database versions not stated): gnomAD exomes 0.00004; ExAC 0.00008; TOPMed 0.00010; gnomAD 0.00011 and 0.00012.
gnomAD v4.1: 95 of 1,565,760 alleles (0.0061%); highest among the groups gnomAD compares: African/African-American, 0.022%; no homozygotes.

Submissions (4):

Labcorp Genetics (formerly Invitae), Labcorp
Classification: Benign for Early-infantile DEE. Last evaluated: 2026-01-13. Review status: criteria provided, single submitter. Criteria: Invitae Variant Classification Sherloc (09022015). Collection method: clinical testing. Allele origin: germline.

Blueprint Genetics
Classification: Likely benign. Last evaluated: 2021-06-14. Review status: criteria provided, single submitter. Criteria: ACMG Guidelines, 2015. Collection method: clinical testing. Allele origin: germline.

GeneDx
Classification: Likely benign. Last evaluated: 2020-01-16. Review status: criteria provided, single submitter. Criteria: GeneDx Variant Classification Process June 2021. Collection method: clinical testing. Allele origin: germline. Affected: yes.

PreventionGenetics, part of Exact Sciences
Classification: Likely benign for SCN8A-related condition. Last evaluated: 2024-06-21. Review status: no assertion criteria provided. Collection method: clinical testing. Allele origin: germline. Not counted in ClinVar's aggregate classification.
Comment: This variant is classified as likely benign based on ACMG/AMP sequence variant interpretation guidelines (Richards et al. 2015 PMID: 25741868, with internal and published modifications).

NM_001330260.2(SCN8A):c.3373-9C>T

Gene: SCN8A (sodium voltage-gated channel alpha subunit 8; plus strand). Cytogenetic location: 12q13.13.
Variant type: single nucleotide variant.
Coding change: c.3373-9C>T on transcript NM_001330260.2 (MANE Select); 9 bases into the intron before coding-DNA position 3373, C replaced by T.
Molecular consequence: intron variant.
Genome position (GRCh38, 1-based): chr12:51,769,859, C>T. VCF-style: chr12-51769859-C-T. GRCh37 (hg19) VCF-style: chr12-52163643-C-T.
Other names: c.3373-9C>T (NM_014191.4, NM_001177984.3, NM_001369788.1).
Identifiers: ClinVar variation 530519 (VCV000530519.17), dbSNP rs770747359, ClinGen allele CA6571596.
Genomic context (GRCh38, chr12:51,769,859, plus strand): 5'-AGAGTTCTCAGTGTGGAGTGGGCATGTTGCCTCAGAGCTGCCTGATCTCCCTTTTCCTTG[C>T]GTGTCTAGAAACTAGATGACACCAGCTCCTCTGAAGGAAGCACCATTGATATCAAACCAG-3'